The following is an entry in ClinVar:

NM_004370.6(COL12A1):c.1207A>C (p.Ser403Arg)

Gene: COL12A1 (collagen type XII alpha 1 chain; minus strand). Cytogenetic location: 6q13.
Variant type: single nucleotide variant.
Coding change: c.1207A>C on transcript NM_004370.6 (MANE Select); coding-DNA position 1207, A replaced by C.
Protein change: p.Ser403Arg; replaces serine 403 with arginine.
Molecular consequence: missense variant. On other transcripts: intron variant (2).
Genome position (GRCh38, 1-based): chr6:75,183,935, T>G on the plus strand (A>C on the coding strand, the complement: COL12A1 is on the minus strand). VCF-style: chr6-75183935-T-G. GRCh37 (hg19) VCF-style: chr6-75893651-T-G.
Other names: c.73+18785A>C (NM_001424116.1, NM_080645.3); c.1207A>C, p.Ser403Arg (NM_001424113.1, NM_001424114.1, NM_001424115.1); short protein forms S403R.
Identifiers: ClinVar variation 4782925 (VCV004782925.1).

ClinVar aggregate classification (germline): Uncertain significance (1 of 4 stars; one submission).

Conditions:
Ullrich congenital muscular dystrophy 2 (UCMD2). Identifiers: Orphanet 75840, MedGen C4225314, MONDO:0014654, OMIM 616470.
Bethlem myopathy 2 (BTHLM2). Identifiers: Orphanet 536516, Orphanet 610, MedGen C4225313, MONDO:0034022, OMIM 616471.

Submission:

Labcorp Genetics (formerly Invitae), Labcorp
Classification: Uncertain significance for Bethlem myopathy 2; Ullrich congenital muscular dystrophy 2. Last evaluated: 2025-11-28. Review status: criteria provided, single submitter. Criteria: Invitae Variant Classification Sherloc (09022015). Collection method: clinical testing. Allele origin: germline.
Comment: This sequence change replaces serine, which is neutral and polar, with arginine, which is basic and polar, at codon 403 of the COL12A1 protein (p.Ser403Arg). This variant is not present in population databases (gnomAD no frequency). This variant has not been reported in the literature in individuals affected with COL12A1-related conditions. Invitae Evidence Modeling of protein sequence and biophysical properties (such as structural, functional, and spatial information, amino acid conservation, physicochemical variation, residue mobility, and thermodynamic stability) indicates that this missense variant is not expected to disrupt COL12A1 protein function with a negative predictive value of 80%. In summary, the available evidence is currently insufficient to determine the role of this variant in disease. Therefore, it has been classified as a Variant of Uncertain Significance.